The following is an entry in ClinVar:

ClinVar aggregate classification (germline): Conflicting classifications of pathogenicity. Review status: criteria provided, conflicting classifications (1 of 4 stars). 2 submissions from 2 submitters: Likely pathogenic (1); Uncertain significance (1). Last evaluated 2026-01-26.

Conditions:
ZMYM2-related disorder. Also called: ZMYM2-related condition.

Submissions (2):

PreventionGenetics, part of Exact Sciences
Classification: Likely pathogenic for ZMYM2-related condition. Last evaluated: 2026-01-26. Review status: criteria provided, single submitter. Criteria: ACMG Guidelines, 2015. Collection method: clinical testing. Allele origin: germline.
Comment: The ZMYM2 c.3259C>T variant is predicted to result in premature protein termination (p.Gln1087*). To our knowledge, this variant has not been reported in the literature or in a large population database (gnomAD), indicating this variant is rare. Nonsense variants in ZMYM2 are expected to be pathogenic. This variant is interpreted as likely pathogenic.

Blueprint Genetics
Classification: Uncertain significance. Last evaluated: 2021-11-09. Review status: criteria provided, single submitter. Criteria: ACMG Guidelines, 2015. Collection method: clinical testing. Allele origin: germline.

NM_197968.4(ZMYM2):c.3259C>T (p.Gln1087Ter)

Gene: ZMYM2 (zinc finger MYM-type containing 2; plus strand). Cytogenetic location: 13q12.11.
Variant type: single nucleotide variant.
Coding change: c.3259C>T on transcript NM_197968.4 (MANE Select); coding-DNA position 3259, C replaced by T.
Protein change: p.Gln1087Ter; replaces glutamine 1087 with a stop codon.
Molecular consequence: nonsense. On other transcripts: non-coding transcript variant (1).
Genome position (GRCh38, 1-based): chr13:20,066,977, C>T. VCF-style: chr13-20066977-C-T. GRCh37 (hg19) VCF-style: chr13-20641117-C-T.
Other names: c.3259C>T, p.Gln1087Ter (NM_001190964.4, NM_001190965.4, NM_001353157.2 and 5 more transcripts); c.3064C>T, p.Gln1022Ter (NM_001353161.3); c.2998C>T, p.Gln1000Ter (NM_001353163.2); short protein forms Q1000*, Q1022*, Q1087*.
Identifiers: ClinVar variation 3061233 (VCV003061233.4), dbSNP rs2504185954, ClinGen allele CA387466904.